The following is an entry in ClinVar:

ClinVar aggregate classification (germline): Pathogenic/Likely pathogenic. Review status: criteria provided, multiple submitters, no conflicts (2 of 4 stars). 3 submissions from 3 submitters: Pathogenic (1); Likely pathogenic (2). Last evaluated 2024-04-02.

Conditions:
MPI-congenital disorder of glycosylation. Also called: MPI DEFICIENCY; CONGENITAL DISORDER OF GLYCOSYLATION, TYPE Ib; PROTEIN-LOSING ENTEROPATHY-HEPATIC FIBROSIS SYNDROME; CDG Ib; MANNOSEPHOSPHATE ISOMERASE DEFICIENCY; MPI-CDG. Identifiers: Orphanet 79319, MedGen C1865145, MONDO:0011257, OMIM 602579.

Allele frequency attached by ClinVar (database versions not stated): gnomAD exomes below 0.00001; gnomAD 0.00001; TOPMed 0.00002.

Submissions (3):

Fulgent Genetics
Classification: Likely pathogenic for MPI-congenital disorder of glycosylation. Last evaluated: 2024-04-02. Review status: criteria provided, single submitter. Criteria: ACMG Guidelines, 2015. Collection method: clinical testing. Allele origin: germline.

Baylor Genetics
Classification: Likely pathogenic for MPI-congenital disorder of glycosylation. Last evaluated: 2023-10-03. Review status: criteria provided, single submitter. Criteria: ACMG Guidelines, 2015. Collection method: clinical testing. Allele origin: unknown.

Labcorp Genetics (formerly Invitae), Labcorp
Classification: Pathogenic for MPI-congenital disorder of glycosylation. Last evaluated: 2022-06-13. Review status: criteria provided, single submitter. Criteria: Invitae Variant Classification Sherloc (09022015). Collection method: clinical testing. Allele origin: germline.
Comment: This variant is present in population databases (no rsID available, gnomAD 0.007%). This sequence change creates a premature translational stop signal (p.Ser84*) in the MPI gene. It is expected to result in an absent or disrupted protein product. Loss-of-function variants in MPI are known to be pathogenic (PMID: 19862844). This variant has not been reported in the literature in individuals affected with MPI-related conditions. For these reasons, this variant has been classified as Pathogenic.

Literature cited by the submitters: PubMed 19862844 (cited by Labcorp Genetics (formerly Invitae), Labcorp).

NM_002435.3(MPI):c.251C>G (p.Ser84Ter)

Gene: MPI (mannose phosphate isomerase; plus strand). Cytogenetic location: 15q24.1.
Variant type: single nucleotide variant.
Coding change: c.251C>G on transcript NM_002435.3 (MANE Select); coding-DNA position 251, C replaced by G.
Protein change: p.Ser84Ter; replaces serine 84 with a stop codon.
Molecular consequence: nonsense.
Genome position (GRCh38, 1-based): chr15:74,891,485, C>G. VCF-style: chr15-74891485-C-G. GRCh37 (hg19) VCF-style: chr15-75183826-C-G.
Other names: c.251C>G, p.Ser84Ter (NM_001289155.2, NM_001289157.2); c.101C>G, p.Ser34Ter (NM_001289156.2); c.191C>G, p.Ser64Ter (NM_001330372.2); short protein forms S34*, S64*, S84*.
Identifiers: ClinVar variation 1405458 (VCV001405458.8), dbSNP rs978284448, ClinGen allele CA272822398.
Genomic context (GRCh38, chr15:74,891,485, plus strand): 5'-ACCGCATCTCACAGAAGACCCTAAGCCAGTGGATTGCTGAGAACCAGGACAGCTTGGGCT[C>G]AAAGGTCAAGGACACCTTTAATGGCAACCTGCCCTTCCTCTTCAAAGTGCTCTCAGTTGA-3'